The following is an entry in ClinVar:

NM_002473.6(MYH9):c.305A>G (p.Lys102Arg)

Gene: MYH9 (myosin heavy chain 9; minus strand). Cytogenetic location: 22q12.3.
Variant type: single nucleotide variant.
Coding change: c.305A>G on transcript NM_002473.6 (MANE Select); coding-DNA position 305, A replaced by G.
Protein change: p.Lys102Arg; replaces lysine 102 with arginine.
Molecular consequence: missense variant.
Genome position (GRCh38, 1-based): chr22:36,348,932, T>C on the plus strand (A>G on the coding strand, the complement: MYH9 is on the minus strand). VCF-style: chr22-36348932-T-C. GRCh37 (hg19) VCF-style: chr22-36744977-T-C.
Other names: short protein forms K102R.
Identifiers: ClinVar variation 4978693 (VCV004978693.1).

ClinVar aggregate classification (germline): Uncertain significance (1 of 4 stars; one submission).

Conditions:
MYH9-related disorder. Identifiers: MedGen C1854520.

Submission:

PreventionGenetics, part of Exact Sciences
Classification: Uncertain significance for MYH9-related condition. Last evaluated: 2025-10-08. Review status: criteria provided, single submitter. Criteria: ACMG Guidelines, 2015. Collection method: clinical testing. Allele origin: germline.
Comment: The MYH9 c.305A>G variant is predicted to result in the amino acid substitution p.Lys102Arg. To our knowledge, this variant has not been reported in the literature. This variant is reported in 0.0033% of alleles in individuals of South Asian descent in gnomAD. At this time, the clinical significance of this variant is uncertain due to the absence of conclusive functional and genetic evidence.